The following is an entry in ClinVar:

NM_000548.5(TSC2):c.2953C>T (p.His985Tyr)

Gene: TSC2 (TSC complex subunit 2; plus strand). Cytogenetic location: 16p13.3.
Variant type: single nucleotide variant.
Coding change: c.2953C>T on transcript NM_000548.5 (MANE Select); coding-DNA position 2953, C replaced by T.
Protein change: p.His985Tyr; replaces histidine 985 with tyrosine.
Molecular consequence: missense variant. On other transcripts: intron variant (31).
Genome position (GRCh38, 1-based): chr16:2,077,713, C>T. VCF-style: chr16-2077713-C-T. GRCh37 (hg19) VCF-style: chr16-2127714-C-T.
Other names: c.2353C>T, p.His785Tyr (NM_001406684.1, NM_001406680.1, NM_001406682.1 and 1 more transcripts); c.1609C>T, p.His537Tyr (NM_001406689.1); c.1493+1128C>T (NM_001406693.1, NM_001406690.1, NM_001406692.1 and 5 more transcripts); c.2927+1128C>T (NM_001406667.1, NM_001406668.1); c.2237+1128C>T (NM_001406687.1, NM_001406685.1, NM_001318831.2 and 2 more transcripts); c.1235+1128C>T (NM_001406698.1); c.2837+1128C>T (NM_021055.3, NM_001370405.1, NM_001363528.2 and 3 more transcripts); c.2825+1128C>T (NM_001406671.1, NM_001406673.1); and 8 more; short protein forms H785Y, H936Y, H948Y, H537Y, H985Y.
Identifiers: ClinVar variation 3462581 (VCV003462581.4).

ClinVar aggregate classification (germline): Conflicting classifications of pathogenicity. Review status: criteria provided, conflicting classifications (1 of 4 stars). 3 submissions from 3 submitters: Uncertain significance (2); Benign (1). Last evaluated 2025-11-30.

Conditions:
Tuberous sclerosis 2 (TSC2). Identifiers: Orphanet 805, MedGen C1860707, MONDO:0013199, OMIM 613254.
Tuberous sclerosis syndrome (TSC). Also called: Tuberous Sclerosis Complex; Tuberous sclerosis. Identifiers: Orphanet 805, MedGen C0041341, MONDO:0001734.
Hereditary cancer-predisposing syndrome. Also called: Hereditary Cancer Syndrome; Hereditary neoplastic syndrome; Neoplastic Syndromes, Hereditary; Tumor predisposition. Identifiers: Orphanet 140162, MedGen C0027672, MeSH D009386, MONDO:0015356.

gnomAD v4.1: 4 of 1,612,786 alleles (0.00025%); highest among the groups gnomAD compares: South Asian, 0.0022%; no homozygotes.

Submissions (3):

Labcorp Genetics (formerly Invitae), Labcorp
Classification: Benign for Tuberous sclerosis 2. Last evaluated: 2025-11-30. Review status: criteria provided, single submitter. Criteria: Invitae Variant Classification Sherloc (09022015). Collection method: clinical testing. Allele origin: germline.

Color Diagnostics, LLC DBA Color Health
Classification: Uncertain significance for Tuberous sclerosis syndrome. Last evaluated: 2025-08-20. Review status: criteria provided, single submitter. Criteria: ACMG Guidelines, 2015. Collection method: clinical testing. Allele origin: germline.
Comment: This missense variant replaces histidine with tyrosine at codon 985 of the TSC2 protein. Computational prediction is inconclusive regarding the impact of this variant on protein structure and function. To our knowledge, functional studies have not been reported for this variant. This variant has not been reported in individuals affected with TSC2-related disorders in the literature. This variant has been identified in 2/281800 chromosomes in the general population by the Genome Aggregation Database (gnomAD). The available evidence is insufficient to determine the role of this variant in disease conclusively. Therefore, this variant is classified as a Variant of Uncertain Significance.

Ambry Genetics
Classification: Uncertain significance for Hereditary cancer-predisposing syndrome. Last evaluated: 2024-07-08. Review status: criteria provided, single submitter. Criteria: Ambry Variant Classification Scheme 2023. Collection method: clinical testing. Allele origin: germline.
Comment: The p.H985Y variant (also known as c.2953C>T), located in coding exon 25 of the TSC2 gene, results from a C to T substitution at nucleotide position 2953. The histidine at codon 985 is replaced by tyrosine, an amino acid with similar properties. This amino acid position is conserved. In addition, the in silico prediction for this alteration is inconclusive. Based on the available evidence, the clinical significance of this variant remains unclear.